The following is an entry in ClinVar:

NM_000264.5(PTCH1):c.2250+126A>G

Genes: PTCH1 (patched 1; minus strand), LOC100507346 (uncharacterized LOC100507346; plus strand). Cytogenetic location: 9q22.32.
Variant type: single nucleotide variant.
Coding change: c.2250+126A>G on transcript NM_000264.5 (MANE Select); 126 bases into the intron after coding-DNA position 2250, A replaced by G.
Molecular consequence: intron variant.
Genome position (GRCh38, 1-based): chr9:95,468,625, T>C on the plus strand (A>G on the coding strand, the complement: PTCH1 is on the minus strand). VCF-style: chr9-95468625-T-C. GRCh37 (hg19) VCF-style: chr9-98230907-T-C.
Other names: c.2247+126A>G (NM_001083603.3); c.2052+126A>G (NM_001083602.3); c.2094+126A>G (NM_001354918.2); c.1797+126A>G (NM_001083605.3, NM_001083604.3, NM_001083606.3 and 1 more transcripts).
Identifiers: ClinVar variation 677049 (VCV000677049.2), dbSNP rs28711421, ClinGen allele CA16368249.

ClinVar aggregate classification (germline): Benign. Review status: criteria provided, multiple submitters, no conflicts (2 of 4 stars). 2 submissions from 2 submitters: Benign (2). Last evaluated 2018-06-20.

Allele frequency attached by ClinVar (database versions not stated): gnomAD exomes 0.08496; 1000 Genomes Project 0.09844; 1000 Genomes Project 30x 0.09931; gnomAD 0.11202 and 0.11595; TOPMed 0.11280.

Submissions (2):

GeneDx
Classification: Benign. Last evaluated: 2018-06-20. Review status: criteria provided, single submitter. Criteria: GeneDx Variant Classification (06012015). Collection method: clinical testing. Allele origin: germline. Affected: yes.
Comment: This variant is considered likely benign or benign based on one or more of the following criteria: it is a conservative change, it occurs at a poorly conserved position in the protein, it is predicted to be benign by multiple in silico algorithms, and/or has population frequency not consistent with disease.

Breakthrough Genomics
Classification: Benign. Review status: criteria provided, single submitter. Criteria: ACMG Guidelines, 2015. Collection method: not provided. Allele origin: germline. Inheritance: Autosomal dominant inheritance. Affected: yes.